The following is an entry in ClinVar:

ClinVar aggregate classification (germline): Conflicting classifications of pathogenicity. Review status: criteria provided, conflicting classifications (1 of 4 stars). 2 submissions from 2 submitters: Likely pathogenic (1); Uncertain significance (1). Last evaluated 2022-11-22.

Conditions:
PKHD1-related disorder. Also called: PKHD1-related condition.
Polycystic kidney disease 4 (PKD4). Also called: POLYCYSTIC KIDNEY DISEASE 4 WITH OR WITHOUT POLYCYSTIC LIVER DISEASE; Autosomal Recessive Polycystic Kidney Disease – PKHD1; POLYCYSTIC KIDNEY AND HEPATIC DISEASE 1; POLYCYSTIC KIDNEY DISEASE, INFANTILE, TYPE I; PKD3. Identifiers: MedGen C4540575, MONDO:0033004, OMIM 263200.

Submissions (2):

Blueprint Genetics
Classification: Likely pathogenic for PKHD1-related disorders. Last evaluated: 2022-11-22. Review status: criteria provided, single submitter. Criteria: ACMG Guidelines, 2015. Collection method: clinical testing. Allele origin: germline. Affected: yes. Observed: 1 variant allele.

Neuberg Centre For Genomic Medicine, NCGM
Classification: Uncertain significance for Polycystic kidney disease 4. Review status: criteria provided, single submitter. Criteria: ACMG Guidelines, 2015. Collection method: clinical testing. Allele origin: germline. Inheritance: Autosomal recessive inheritance. Affected: yes.
Comment: The missense variant c.8762T>Gp.Val2921Gly in PKHD1 gene has not been reported previously as a pathogenic variant nor as a benign variant, to our knowledge. The variant is novel not in any individuals in gnomAD Exomes and 1000 Genomes.The amino acid Valine at position 2921 is changed to a Glycine changing protein sequence and it might alter its composition and physico-chemical properties. The variant is predicted to be damaging by SIFT. The amino acid change p.Val2921Gly in PKHD1 is predicted as conserved by GERP++ and PhyloP across 100 vertebrates. For these reasons, this variant has been classified as Uncertain Significance.

NM_138694.4(PKHD1):c.8762T>G (p.Val2921Gly)

Gene: PKHD1 (PKHD1 ciliary IPT domain containing fibrocystin/polyductin; minus strand). Cytogenetic location: 6p12.3.
Variant type: single nucleotide variant.
Coding change: c.8762T>G on transcript NM_138694.4 (MANE Select); coding-DNA position 8762, T replaced by G.
Protein change: p.Val2921Gly; replaces valine 2921 with glycine.
Molecular consequence: missense variant.
Genome position (GRCh38, 1-based): chr6:51,754,819, A>C on the plus strand (T>G on the coding strand, the complement: PKHD1 is on the minus strand). VCF-style: chr6-51754819-A-C. GRCh37 (hg19) VCF-style: chr6-51619617-A-C.
Other names: c.8762T>G, p.Val2921Gly (NM_170724.3); short protein forms V2921G.
Identifiers: ClinVar variation 3236406 (VCV003236406.3), dbSNP rs2533948940, ClinGen allele CA364427972.